The following is an entry in ClinVar:

NM_002863.5(PYGL):c.298A>G (p.Met100Val)

Gene: PYGL (glycogen phosphorylase L; minus strand). Cytogenetic location: 14q22.1.
Variant type: single nucleotide variant.
Coding change: c.298A>G on transcript NM_002863.5 (MANE Select); coding-DNA position 298, A replaced by G.
Protein change: p.Met100Val; replaces methionine 100 with valine.
Molecular consequence: missense variant. On other transcripts: intron variant (1).
Genome position (GRCh38, 1-based): chr14:50,937,783, T>C on the plus strand (A>G on the coding strand, the complement: PYGL is on the minus strand). VCF-style: chr14-50937783-T-C. GRCh37 (hg19) VCF-style: chr14-51404501-T-C.
Other names: c.244-2598A>G (NM_001163940.2); short protein forms M100V.
Identifiers: ClinVar variation 1033544 (VCV001033544.6), dbSNP rs1273055538, ClinGen allele CA389697689.

ClinVar aggregate classification (germline): Uncertain significance. Review status: criteria provided, multiple submitters, no conflicts (2 of 4 stars). 2 submissions from 2 submitters: Uncertain significance (2). Last evaluated 2022-10-18.

Conditions:
Glycogen storage disease, type VI (GSD6). Also called: Glycogen storage disease type 6; Hepatic glycogen phosphorylase deficiency; Glycogen storage disease type 6, due to phosphorylation; GSD VI; HERS DISEASE; PHOSPHORYLASE DEFICIENCY GLYCOGEN-STORAGE DISEASE OF LIVER. Identifiers: Orphanet 369, MedGen C0017925, MONDO:0009294, OMIM 232700.

Allele frequency attached by ClinVar (database versions not stated): gnomAD exomes below 0.00001 and 0.00001.

Submissions (2):

Labcorp Genetics (formerly Invitae), Labcorp
Classification: Uncertain significance for Glycogen storage disease, type VI. Last evaluated: 2022-10-18. Review status: criteria provided, single submitter. Criteria: Invitae Variant Classification Sherloc (09022015). Collection method: clinical testing. Allele origin: germline.
Comment: This sequence change replaces methionine, which is neutral and non-polar, with valine, which is neutral and non-polar, at codon 100 of the PYGL protein (p.Met100Val). This variant is present in population databases (no rsID available, gnomAD 0.02%). This variant has not been reported in the literature in individuals affected with PYGL-related conditions. ClinVar contains an entry for this variant (Variation ID: 1033544). Advanced modeling of protein sequence and biophysical properties (such as structural, functional, and spatial information, amino acid conservation, physicochemical variation, residue mobility, and thermodynamic stability) performed at Invitae indicates that this missense variant is not expected to disrupt PYGL protein function. In summary, the available evidence is currently insufficient to determine the role of this variant in disease. Therefore, it has been classified as a Variant of Uncertain Significance.

Baylor Genetics
Classification: Uncertain significance for Glycogen storage disease, type VI. Last evaluated: 2018-01-09. Review status: criteria provided, single submitter. Criteria: ACMG Guidelines, 2015. Collection method: clinical testing. Allele origin: maternal. Affected: yes.
Comment: This variant was determined to be of uncertain significance according to ACMG Guidelines, 2015 [PMID:25741868].